The following is an entry in ClinVar:

NM_198129.4(LAMA3):c.4643A>G (p.Asp1548Gly)

Gene: LAMA3 (laminin subunit alpha 3; plus strand). Cytogenetic location: 18q11.2.
Variant type: single nucleotide variant.
Coding change: c.4643A>G on transcript NM_198129.4 (MANE Select); coding-DNA position 4643, A replaced by G.
Protein change: p.Asp1548Gly; replaces aspartic acid 1548 with glycine.
Molecular consequence: missense variant.
Genome position (GRCh38, 1-based): chr18:23,864,843, A>G. VCF-style: chr18-23864843-A-G. GRCh37 (hg19) VCF-style: chr18-21444807-A-G.
Other names: c.4643A>G, p.Asp1548Gly (NM_001127717.4); c.4643A>G (NM_198129.2); short protein forms D1548G.
Identifiers: ClinVar variation 1117419 (VCV001117419.10), dbSNP rs201045690, ClinGen allele CA8915677.

ClinVar aggregate classification (germline): Conflicting classifications of pathogenicity. Review status: criteria provided, conflicting classifications (1 of 4 stars). 3 submissions from 3 submitters: Uncertain significance (1); Likely benign (2). Last evaluated 2025-07-01.

Conditions:
LAMA3-related disorder. Also called: LAMA3-related condition; LAMA3-related disorders.

Allele frequency attached by ClinVar (database versions not stated): 1000 Genomes Project 30x 0.00016; 1000 Genomes Project 0.00020; ExAC 0.00088; gnomAD exomes 0.00097 and 0.00125; TOPMed 0.00098; gnomAD 0.00100 and 0.00103; ESP Exome Variant Server 0.00138.
gnomAD v4.1: 1,941 of 1,613,800 alleles (0.12%); highest among the groups gnomAD compares: Non-Finnish European, 0.15%; 1 homozygote.

Submissions (3):

PreventionGenetics, part of Exact Sciences
Classification: Likely benign for LAMA3-related condition. Last evaluated: 2025-07-01. Review status: criteria provided, single submitter. Criteria: ACMG Guidelines, 2015. Collection method: clinical testing. Allele origin: germline.
Comment: This variant is classified as likely benign based on ACMG/AMP sequence variant interpretation guidelines (Richards et al. 2015 PMID: 25741868, with internal and published modifications).

GeneDx
Classification: Uncertain significance. Last evaluated: 2023-02-06. Review status: criteria provided, single submitter. Criteria: GeneDx Variant Classification Process June 2021. Collection method: clinical testing. Allele origin: germline. Affected: yes.
Comment: In silico analysis supports that this missense variant has a deleterious effect on protein structure/function; Reported using an alternate transcript of the gene; Has not been previously published as pathogenic or benign to our knowledge

Labcorp Genetics (formerly Invitae), Labcorp
Classification: Likely benign. Last evaluated: 2022-09-12. Review status: criteria provided, single submitter. Criteria: Invitae Variant Classification Sherloc (09022015). Collection method: clinical testing. Allele origin: germline.